The following is an entry in ClinVar:

ClinVar aggregate classification (germline): Conflicting classifications of pathogenicity. Review status: criteria provided, conflicting classifications (1 of 4 stars). 9 submissions from 9 submitters: Uncertain significance (1); Benign (1); Likely benign (7). Last evaluated 2026-05-01.

Conditions:
Charcot-Marie-Tooth disease. Also called: Charcot-Marie-Tooth Hereditary Neuropathy; Charcot-Marie-Tooth Neuropathy. Identifiers: Orphanet 166, MedGen C0007959, MONDO:0015626.
Charcot-Marie-Tooth disease type 4. Also called: Charcot-Marie-Tooth disease, type IV; Charcot-Marie-Tooth, Type 4. Identifiers: Orphanet 64749, MedGen C4082197, MONDO:0018995.
Charcot-Marie-Tooth disease type 4B2. Also called: Charcot-Marie-Tooth Neuropathy Type 4B2; CMT 4B2; CHARCOT-MARIE-TOOTH DISEASE, DEMYELINATING, TYPE 4B2; CHARCOT-MARIE-TOOTH DISEASE, WITH FOCALLY FOLDED MYELIN SHEATHS, AUTOSOMAL RECESSIVE, TYPE 4B2. Identifiers: Orphanet 99956, MedGen C1858278, MONDO:0011475, OMIM 604563.

Allele frequency attached by ClinVar (database versions not stated): ExAC 0.00019; gnomAD exomes 0.00020 and 0.00051; gnomAD 0.00030 and 0.00031; TOPMed 0.00032; ESP Exome Variant Server 0.00046.
gnomAD v4.1: 783 of 1,614,150 alleles (0.049%); highest among the groups gnomAD compares: Non-Finnish European, 0.063%; no homozygotes.

Submissions (9):

CeGaT Center for Human Genetics Tuebingen
Classification: Likely benign. Last evaluated: 2026-05-01. Review status: criteria provided, single submitter. Criteria: CeGaT Center For Human Genetics Tuebingen Variant Classification Criteria Version 2. Collection method: clinical testing. Allele origin: germline. Affected: yes. Observed: 3 variant alleles.
Comment: SBF2: BP4, BP7

Labcorp Genetics (formerly Invitae), Labcorp
Classification: Likely benign for Charcot-Marie-Tooth disease type 4. Last evaluated: 2025-12-16. Review status: criteria provided, single submitter. Criteria: Invitae Variant Classification Sherloc (09022015). Collection method: clinical testing. Allele origin: germline.

Women's Health and Genetics/Laboratory Corporation of America, LabCorp
Classification: Likely benign. Last evaluated: 2025-09-09. Review status: criteria provided, single submitter. Criteria: LabCorp Variant Classification Summary - May 2015. Collection method: clinical testing. Allele origin: germline.

Mayo Clinic Laboratories, Mayo Clinic
Classification: Likely benign. Last evaluated: 2025-03-24. Review status: criteria provided, single submitter. Criteria: ACMG Guidelines, 2015. Collection method: clinical testing. Allele origin: germline. Observed: 2 variant alleles.
Comment: BP4, BP7

Blueprint Genetics
Classification: Likely benign. Last evaluated: 2024-11-26. Review status: criteria provided, single submitter. Criteria: ACMG Guidelines, 2015. Collection method: clinical testing. Allele origin: germline.

Athena Diagnostics
Classification: Benign. Last evaluated: 2023-10-11. Review status: criteria provided, single submitter. Criteria: Athena Diagnostics Criteria. Collection method: clinical testing. Allele origin: unknown.

GeneDx
Classification: Likely benign. Last evaluated: 2020-07-10. Review status: criteria provided, single submitter. Criteria: GeneDx Variant Classification Process June 2021. Collection method: clinical testing. Allele origin: germline. Affected: yes.

Illumina Laboratory Services, Illumina
Classification: Uncertain significance for Charcot-Marie-Tooth disease type 4B2. Last evaluated: 2018-01-13. Review status: criteria provided, single submitter. Criteria: ICSL Variant Classification Criteria 13 December 2019. Collection method: clinical testing. Allele origin: germline.

Molecular Genetics Laboratory, London Health Sciences Centre
Classification: Likely benign for Charcot-Marie-Tooth disease. Review status: criteria provided, single submitter. Criteria: ACMG Guidelines, 2015. Collection method: clinical testing. Allele origin: germline. Affected: yes.

NM_030962.4(SBF2):c.3819C>T (p.Ser1273=)

Gene: SBF2 (SET binding factor 2; minus strand). Cytogenetic location: 11p15.4.
Variant type: single nucleotide variant.
Coding change: c.3819C>T on transcript NM_030962.4 (MANE Select); coding-DNA position 3819, C replaced by T.
Protein change: p.Ser1273=; no amino-acid change (serine 1273 retained).
Molecular consequence: synonymous variant.
Genome position (GRCh38, 1-based): chr11:9,816,999, G>A on the plus strand (C>T on the coding strand, the complement: SBF2 is on the minus strand). VCF-style: chr11-9816999-G-A. GRCh37 (hg19) VCF-style: chr11-9838546-G-A.
Other names: p.Ser1273=; c.3915C>T, p.Ser1305= (NM_001386339.1); c.3690C>T, p.Ser1230= (NM_001386342.1).
Identifiers: ClinVar variation 219812 (VCV000219812.61), dbSNP rs145351367, ClinGen allele CA349375.